The following is an entry in ClinVar:

NM_004369.4(COL6A3):c.1897+6G>A

Gene: COL6A3 (collagen type VI alpha 3 chain; minus strand). Cytogenetic location: 2q37.3.
Variant type: single nucleotide variant.
Coding change: c.1897+6G>A on transcript NM_004369.4 (MANE Select); 6 bases into the intron after coding-DNA position 1897, G replaced by A.
Molecular consequence: intron variant.
Genome position (GRCh38, 1-based): chr2:237,380,909, C>T on the plus strand (G>A on the coding strand, the complement: COL6A3 is on the minus strand). VCF-style: chr2-237380909-C-T. GRCh37 (hg19) VCF-style: chr2-238289552-C-T.
Other names: c.676+6G>A (NM_057166.5, NM_057164.5); c.1279+6G>A (NM_057167.4, NM_057165.5).
Identifiers: ClinVar variation 1354761 (VCV001354761.6), dbSNP rs1189511183, ClinGen allele CA540448806.
Genomic context (GRCh38, chr2:237,380,909, plus strand): 5'-GTTTTGTTCTTAAAGGCCCTGCCTGGAGACCACCCCATTGTGTGTCTGAAGCCATCACCA[C>T]CATACCTTCAGGGGTTCCAGAGAGGGTCCTGAGAGGTGCCAGCAAGCCAGGCAGCATGCC-3'

ClinVar aggregate classification (germline): Uncertain significance (1 of 4 stars; one submission).

Conditions:
Bethlem myopathy 1A. Also called: MYOPATHY, BENIGN CONGENITAL, WITH CONTRACTURES; Bethlem Muscular Dystrophy; Bethlem myopathy 1. Identifiers: Orphanet 610, MedGen CN029274, MONDO:0024530, OMIM 158810.

Allele frequency attached by ClinVar (database versions not stated): gnomAD exomes below 0.00001; TOPMed below 0.00001; gnomAD 0.00001.
gnomAD v4.1: 3 of 1,613,022 alleles (0.00019%); highest among the groups gnomAD compares: Non-Finnish European, 0.00025%; no homozygotes.

Submission:

Labcorp Genetics (formerly Invitae), Labcorp
Classification: Uncertain significance for Bethlem myopathy 1A. Last evaluated: 2024-10-15. Review status: criteria provided, single submitter. Criteria: Invitae Variant Classification Sherloc (09022015). Collection method: clinical testing. Allele origin: germline.
Comment: This sequence change falls in intron 5 of the COL6A3 gene. It does not directly change the encoded amino acid sequence of the COL6A3 protein. It affects a nucleotide within the consensus splice site. This variant is present in population databases (no rsID available, gnomAD 0.007%). This variant has not been reported in the literature in individuals affected with COL6A3-related conditions. ClinVar contains an entry for this variant (Variation ID: 1354761). Variants that disrupt the consensus splice site are a relatively common cause of aberrant splicing (PMID: 17576681, 9536098). Algorithms developed to predict the effect of sequence changes on RNA splicing suggest that this variant is not likely to affect RNA splicing. In summary, the available evidence is currently insufficient to determine the role of this variant in disease. Therefore, it has been classified as a Variant of Uncertain Significance.

Literature cited by the submitters: PubMed 17576681; PubMed 9536098.